The following is an entry in ClinVar:

NM_005050.4(ABCD4):c.1034G>T (p.Gly345Val)

Gene: ABCD4 (ATP binding cassette subfamily D member 4; minus strand). Cytogenetic location: 14q24.3.
Variant type: single nucleotide variant.
Coding change: c.1034G>T on transcript NM_005050.4 (MANE Select); coding-DNA position 1034, G replaced by T.
Protein change: p.Gly345Val; replaces glycine 345 with valine.
Molecular consequence: missense variant. On other transcripts: non-coding transcript variant (10).
Genome position (GRCh38, 1-based): chr14:74,292,371, C>A on the plus strand (G>T on the coding strand, the complement: ABCD4 is on the minus strand). VCF-style: chr14-74292371-C-A. GRCh37 (hg19) VCF-style: chr14-74759074-C-A.
Other names: c.908G>T, p.Gly303Val (NM_001353591.2, NM_001353592.2); c.773G>T, p.Gly258Val (NM_001353593.2); c.722G>T, p.Gly241Val (NM_001353594.2); c.620G>T, p.Gly207Val (NM_001353595.2, NM_001353596.2); c.569G>T, p.Gly190Val (NM_001353597.2); c.557G>T, p.Gly186Val (NM_001353598.2, NM_001353599.2, NM_001353600.2 and 2 more transcripts); c.245G>T, p.Gly82Val (NM_001353602.2, NM_001353603.2, NM_001353604.2 and 6 more transcripts); c.905G>T, p.Gly302Val (NM_020323.1); and 1 more; short protein forms G302V, G303V, G345V, G82V, G186V, G258V, G190V, G241V.
Identifiers: ClinVar variation 1920545 (VCV001920545.5), dbSNP rs1380682384, ClinGen allele CA390382829.
Genomic context (GRCh38, chr14:74,292,371, plus strand): 5'-CCCAGGATCTCGCAGTCCTGTGACTTCAGGGACATGTCCAGAAGCGTCTCCCGAAGCTGC[C>A]CAATTCTGAACAAGAAAAGAAAATCTGAGGCAGGGTCTGGGAGCCAGGTGAAGGTGAACT-3'
Protein context (NP_005041.1, residues 335-355): SDVAGYTHRI[Gly345Val]QLRETLLDMS

ClinVar aggregate classification (germline): Uncertain significance (1 of 4 stars; one submission).

Conditions:
Methylmalonic acidemia with homocystinuria, type cblJ (MAHCJ). Also called: METHYLMALONIC ACIDURIA AND HOMOCYSTINURIA, cblJ TYPE. Identifiers: Orphanet 369955, MedGen C3553915, MONDO:0013925, OMIM 614857.

Allele frequency attached by ClinVar (database versions not stated): gnomAD exomes 0.00001; TOPMed 0.00001; gnomAD 0.00003.

Submission:

Labcorp Genetics (formerly Invitae), Labcorp
Classification: Uncertain significance for Methylmalonic acidemia with homocystinuria, type cblJ. Last evaluated: 2025-01-06. Review status: criteria provided, single submitter. Criteria: Invitae Variant Classification Sherloc (09022015). Collection method: clinical testing. Allele origin: germline.
Comment: This sequence change replaces glycine, which is neutral and non-polar, with valine, which is neutral and non-polar, at codon 345 of the ABCD4 protein (p.Gly345Val). This variant is present in population databases (no rsID available, gnomAD no frequency). This variant has not been reported in the literature in individuals affected with ABCD4-related conditions. ClinVar contains an entry for this variant (Variation ID: 1920545). An algorithm developed to predict the effect of missense changes on protein structure and function (PolyPhen-2) suggests that this variant is likely to be tolerated. In summary, the available evidence is currently insufficient to determine the role of this variant in disease. Therefore, it has been classified as a Variant of Uncertain Significance.